The following is an entry in ClinVar:

NM_004064.5(CDKN1B):c.281_282insT (p.Lys96fs)

Gene: CDKN1B (cyclin dependent kinase inhibitor 1B; plus strand). Cytogenetic location: 12p13.1.
Variant type: Insertion.
Coding change: c.281_282insT on transcript NM_004064.5 (MANE Select); coding-DNA positions 281 to 282, T inserted.
Protein change: p.Lys96fs; shifts the reading frame from lysine 96.
Molecular consequence: frameshift variant.
Genome position: GRCh38 VCF-style: chr12-12718120-C-CT. GRCh37 (hg19) VCF-style: chr12-12871054-C-CT.
Other names: c.281_282insT (NM_004064.3); short protein forms K96fs.
Identifiers: ClinVar variation 963142 (VCV000963142.9), dbSNP rs1946493725, ClinGen allele CA1139662516.
Genomic context (GRCh38, chr12:12,718,120, plus strand): 5'-ACGAGTGGCAAGAGGTGGAGAAGGGCAGCTTGCCCGAGTTCTACTACAGACCCCCGCGGC[C>CT]CCCCAAAGGTGCCTGCAAGGTGCCGGCGCAGGAGAGCCAGGATGTCAGCGGGAGCCGCCC-3'

ClinVar aggregate classification (germline): Pathogenic. Review status: criteria provided, multiple submitters, no conflicts (2 of 4 stars). 2 submissions from 2 submitters: Pathogenic (2). Last evaluated 2022-11-03.

Conditions:
Hereditary cancer-predisposing syndrome. Also called: Hereditary neoplastic syndrome; Tumor predisposition; Neoplastic Syndromes, Hereditary; Hereditary Cancer Syndrome. Identifiers: Orphanet 140162, MedGen C0027672, MeSH D009386, MONDO:0015356.
Multiple endocrine neoplasia type 4. Also called: MULTIPLE ENDOCRINE NEOPLASIA, TYPE IV. Identifiers: Orphanet 276152, MedGen C1970712, MONDO:0012552, OMIM 610755.

Allele frequency attached by ClinVar (database versions not stated): gnomAD exomes below 0.00001.

Submissions (2):

Ambry Genetics
Classification: Pathogenic for Hereditary cancer-predisposing syndrome. Last evaluated: 2022-11-03. Review status: criteria provided, single submitter. Criteria: Ambry Variant Classification Scheme 2023. Collection method: clinical testing. Allele origin: germline.
Comment: The c.281_282insT pathogenic mutation, located in coding exon 1 of the CDKN1B gene, results from an insertion of one nucleotide at position 281, causing a translational frameshift with a predicted alternate stop codon (p.K96Qfs*29). This variant is considered to be rare based on population cohorts in the Genome Aggregation Database (gnomAD). This alteration is expected to result in loss of function by premature protein truncation or nonsense-mediated mRNA decay. As such, this alteration is interpreted as a disease-causing mutation.

Labcorp Genetics (formerly Invitae), Labcorp
Classification: Pathogenic for Multiple endocrine neoplasia type 4. Last evaluated: 2019-10-09. Review status: criteria provided, single submitter. Criteria: Invitae Variant Classification Sherloc (09022015). Collection method: clinical testing. Allele origin: germline.
Comment: This sequence change creates a premature translational stop signal (p.Lys96Glnfs*29) in the CDKN1B gene. It is expected to result in an absent or disrupted protein product. This variant is not present in population databases (ExAC no frequency). This variant has not been reported in the literature in individuals with CDKN1B-related conditions. Loss-of-function variants in CDKN1B are known to be pathogenic (PMID: 17030811, 24819502). For these reasons, this variant has been classified as Pathogenic.

Literature cited by the submitters: PubMed 17030811 (cited by Labcorp Genetics (formerly Invitae), Labcorp); PubMed 24819502 (cited by Labcorp Genetics (formerly Invitae), Labcorp).